The following is an entry in ClinVar:

NM_022455.5(NSD1):c.1980C>A (p.Asn660Lys)

Gene: NSD1 (nuclear receptor binding SET domain protein 1; plus strand). Cytogenetic location: 5q35.3.
Variant type: single nucleotide variant.
Coding change: c.1980C>A on transcript NM_022455.5 (MANE Select); coding-DNA position 1980, C replaced by A.
Protein change: p.Asn660Lys; replaces asparagine 660 with lysine.
Molecular consequence: missense variant.
Genome position (GRCh38, 1-based): chr5:177,210,379, C>A. VCF-style: chr5-177210379-C-A. GRCh37 (hg19) VCF-style: chr5-176637380-C-A.
Other names: c.1107C>A, p.Asn369Lys (NM_001365684.2, NM_001409306.1, NM_001409307.1 and 3 more transcripts); c.1980C>A, p.Asn660Lys (NM_001409301.1, NM_001409302.1, NM_001409303.1); c.1560C>A, p.Asn520Lys (NM_001409304.1); c.1227C>A, p.Asn409Lys (NM_001409305.1); short protein forms N391K, N660K, N520K, N369K, N409K.
Identifiers: ClinVar variation 1312295 (VCV001312295.2), dbSNP rs140072393, ClinGen allele CA362312883.

ClinVar aggregate classification (germline): Uncertain significance (1 of 4 stars; one submission).

Submission:

GeneDx
Classification: Uncertain significance. Last evaluated: 2019-09-24. Review status: criteria provided, single submitter. Criteria: GeneDx Variant Classification Process June 2021. Collection method: clinical testing. Allele origin: germline. Affected: yes.
Comment: Not observed in large population cohorts (Lek et al., 2016); In silico analysis, which includes protein predictors and evolutionary conservation, supports that this variant does not alter protein structure/function; Has not been previously published as pathogenic or benign to our knowledge